The following is an entry in ClinVar:

ClinVar aggregate classification (germline): Benign/Likely benign. Review status: criteria provided, multiple submitters, no conflicts (2 of 4 stars). 3 submissions from 3 submitters: Benign (1); Likely benign (2). Last evaluated 2026-02-02.

Conditions:
Vici syndrome (VICIS). Identifiers: Orphanet 1493, MedGen C1855772, MONDO:0009452, OMIM 242840.

Allele frequency attached by ClinVar (database versions not stated): ExAC 0.00145; ESP Exome Variant Server 0.00489; gnomAD 0.00525 and 0.00565; TOPMed 0.00597; 1000 Genomes Project 0.00599; 1000 Genomes Project 30x 0.00734.
gnomAD v4.1: 1,523 of 1,610,888 alleles (0.095%); highest among the groups gnomAD compares: African/African-American, 1.8%; 15 homozygotes.

Submissions (3):

Labcorp Genetics (formerly Invitae), Labcorp
Classification: Benign for Vici syndrome. Last evaluated: 2026-02-02. Review status: criteria provided, single submitter. Criteria: Invitae Variant Classification Sherloc (09022015). Collection method: clinical testing. Allele origin: germline.

GeneDx
Classification: Likely benign. Last evaluated: 2018-06-07. Review status: criteria provided, single submitter. Criteria: GeneDx Variant Classification (06012015). Collection method: clinical testing. Allele origin: germline. Affected: yes.
Comment: This variant is considered likely benign or benign based on one or more of the following criteria: it is a conservative change, it occurs at a poorly conserved position in the protein, it is predicted to be benign by multiple in silico algorithms, and/or has population frequency not consistent with disease.

Breakthrough Genomics
Classification: Likely benign. Review status: criteria provided, single submitter. Criteria: ACMG Guidelines, 2015. Collection method: not provided. Allele origin: germline. Inheritance: Autosomal recessive inheritance. Affected: yes.

NM_020964.3(EPG5):c.104G>A (p.Ser35Asn)

Gene: EPG5 (ectopic P-granules 5 autophagy tethering factor; minus strand). Cytogenetic location: 18q21.1.
Variant type: single nucleotide variant.
Coding change: c.104G>A on transcript NM_020964.3 (MANE Select); coding-DNA position 104, G replaced by A.
Protein change: p.Ser35Asn; replaces serine 35 with asparagine.
Molecular consequence: missense variant.
Genome position (GRCh38, 1-based): chr18:45,955,298, C>T on the plus strand (G>A on the coding strand, the complement: EPG5 is on the minus strand). VCF-style: chr18-45955298-C-T. GRCh37 (hg19) VCF-style: chr18-43535264-C-T.
Other names: c.104G>A, p.Ser35Asn (LRG_1234t1); short protein forms S35N.
Identifiers: ClinVar variation 466235 (VCV000466235.15), dbSNP rs145177562, ClinGen allele CA8950008.
Genomic context (GRCh38, chr18:45,955,298, plus strand): 5'-AATTCACAGGCTAGAGAAGGGATTTCCTGCTCTCTGGAGGTTTTTGGAAGGGAGACTTCA[C>T]TGGACTCTTCCCTCTGAGGAGTTTCATACTTCTTCTTTTCCTAAAAACAACATACATAAT-3'
Protein context (NP_066015.2, residues 25-45): KYETPQREES[Ser35Asn]EVSLPKTSRE